The following is an entry in ClinVar:

ClinVar aggregate classification (germline): Uncertain significance (1 of 4 stars; one submission).

Conditions:
Primary ciliary dyskinesia. Also called: Ciliary dyskinesia. Identifiers: Orphanet 244, MedGen C0008780, MONDO:0016575, HP:0012265.

Submission:

Labcorp Genetics (formerly Invitae), Labcorp
Classification: Uncertain significance for Primary ciliary dyskinesia. Last evaluated: 2019-07-19. Review status: criteria provided, single submitter. Criteria: Invitae Variant Classification Sherloc (09022015). Collection method: clinical testing. Allele origin: germline.
Comment: This sequence change falls in intron 65 of the DNAH8 gene. It does not directly change the encoded amino acid sequence of the DNAH8 protein, but it affects a nucleotide within the consensus splice site of the intron. This variant is present in population databases (rs773097842, ExAC 0.01%). This variant has not been reported in the literature in individuals with DNAH8-related conditions. Nucleotide substitutions within the consensus splice site are a relatively common cause of aberrant splicing (PMID: 17576681, 9536098). Algorithms developed to predict the effect of sequence changes on RNA splicing suggest that this variant may disrupt the consensus splice site, but this prediction has not been confirmed by published transcriptional studies. In summary, the available evidence is currently insufficient to determine the role of this variant in disease. Therefore, it has been classified as a Variant of Uncertain Significance.

Literature cited by the submitters: PubMed 17576681; PubMed 9536098.

NM_001206927.2(DNAH8):c.9740+4_9740+10del

Genes: DNAH8 (dynein axonemal heavy chain 8; plus strand), DNAH8-AS1 (DNAH8 antisense RNA 1; minus strand). Cytogenetic location: 6p21.2.
Variant type: Deletion.
Coding change: c.9740+4_9740+10del on transcript NM_001206927.2 (MANE Select); bases 4 to 10 of the intron after coding-DNA position 9740, 7 bases deleted (AGTGATA; older notation c.9740+4_9740+10delAGTGATA).
Molecular consequence: splice donor variant.
Genome position (GRCh38, 1-based): chr6:38,909,748-38,909,754, AGTGATA deleted; deleting any 7 consecutive bases within chr6:38,909,746-38,909,754 gives the same sequence; the c. name uses the placement nearest the transcript's 3' end. VCF-style (leftmost placement, unchanged base first): chr6-38909745-GTAAGTGA-G. GRCh37 (hg19) VCF-style: chr6-38877521-GTAAGTGA-G.
Other names: c.9089+4_9089+10del (NM_001371.4).
Identifiers: ClinVar variation 941783 (VCV000941783.5), dbSNP rs773097842, ClinGen allele CA3790537.